The following is an entry in ClinVar:

NM_005458.8(GABBR2):c.1828T>C (p.Cys610Arg)

Gene: GABBR2 (gamma-aminobutyric acid type B receptor subunit 2; minus strand). Cytogenetic location: 9q22.33.
Variant type: single nucleotide variant.
Coding change: c.1828T>C on transcript NM_005458.8 (MANE Select); coding-DNA position 1828, T replaced by C.
Protein change: p.Cys610Arg; replaces cysteine 610 with arginine.
Molecular consequence: missense variant.
Genome position (GRCh38, 1-based): chr9:98,362,780, A>G on the plus strand (T>C on the coding strand, the complement: GABBR2 is on the minus strand). VCF-style: chr9-98362780-A-G. GRCh37 (hg19) VCF-style: chr9-101125062-A-G.
Other names: short protein forms C610R.
Identifiers: ClinVar variation 2702208 (VCV002702208.3), dbSNP rs1456902468, ClinGen allele CA374212383.

ClinVar aggregate classification (germline): Uncertain significance (1 of 4 stars; one submission).

Conditions:
Epileptic encephalopathy. Identifiers: MedGen C0543888, HP:0200134.

Submission:

Labcorp Genetics (formerly Invitae), Labcorp
Classification: Uncertain significance for Epileptic encephalopathy. Last evaluated: 2023-12-11. Review status: criteria provided, single submitter. Criteria: Invitae Variant Classification Sherloc (09022015). Collection method: clinical testing. Allele origin: germline.
Comment: This sequence change replaces cysteine, which is neutral and slightly polar, with arginine, which is basic and polar, at codon 610 of the GABBR2 protein (p.Cys610Arg). This variant is not present in population databases (gnomAD no frequency). This variant has not been reported in the literature in individuals affected with GABBR2-related conditions. Advanced modeling of protein sequence and biophysical properties (such as structural, functional, and spatial information, amino acid conservation, physicochemical variation, residue mobility, and thermodynamic stability) performed at Invitae indicates that this missense variant is expected to disrupt GABBR2 protein function with a positive predictive value of 80%. In summary, the available evidence is currently insufficient to determine the role of this variant in disease. Therefore, it has been classified as a Variant of Uncertain Significance.